The following is an entry in ClinVar:

NM_004526.4(MCM2):c.826C>G (p.Arg276Gly)

Gene: MCM2 (minichromosome maintenance complex component 2; plus strand). Cytogenetic location: 3q21.3.
Variant type: single nucleotide variant.
Coding change: c.826C>G on transcript NM_004526.4 (MANE Select); coding-DNA position 826, C replaced by G.
Protein change: p.Arg276Gly; replaces arginine 276 with glycine.
Molecular consequence: missense variant. On other transcripts: non-coding transcript variant (1).
Genome position (GRCh38, 1-based): chr3:127,606,270, C>G. VCF-style: chr3-127606270-C-G. GRCh37 (hg19) VCF-style: chr3-127325113-C-G.
Other names: short protein forms R276G.
Identifiers: ClinVar variation 2010966 (VCV002010966.4), dbSNP rs981458128, ClinGen allele CA354384790.

ClinVar aggregate classification (germline): Uncertain significance (1 of 4 stars; one submission).

gnomAD v4.1: 2 of 1,614,232 alleles (0.00012%); highest among the groups gnomAD compares: Non-Finnish European, 0.00017%; no homozygotes.

Submission:

Labcorp Genetics (formerly Invitae), Labcorp
Classification: Uncertain significance. Last evaluated: 2022-06-26. Review status: criteria provided, single submitter. Criteria: Invitae Variant Classification Sherloc (09022015). Collection method: clinical testing. Allele origin: germline.
Comment: This sequence change replaces arginine, which is basic and polar, with glycine, which is neutral and non-polar, at codon 276 of the MCM2 protein (p.Arg276Gly). This variant is not present in population databases (gnomAD no frequency). This variant has not been reported in the literature in individuals affected with MCM2-related conditions. Algorithms developed to predict the effect of missense changes on protein structure and function are either unavailable or do not agree on the potential impact of this missense change (SIFT: "Deleterious"; PolyPhen-2: "Possibly Damaging"; Align-GVGD: "Class C0"). In summary, the available evidence is currently insufficient to determine the role of this variant in disease. Therefore, it has been classified as a Variant of Uncertain Significance.